The following is an entry in ClinVar:

NM_001267550.2(TTN):c.56790_56792dup (p.Trp18931Ter)

Genes: TTN-AS1 (TTN antisense RNA 1; plus strand), TTN (titin; minus strand). Cytogenetic location: 2q31.2.
Variant type: Duplication.
Coding change: c.56790_56792dup on transcript NM_001267550.2 (MANE Select); coding-DNA positions 56790 to 56792, 3 bases duplicated (ATG; older notation c.56790_56792dupATG).
Protein change: p.Trp18931Ter; replaces tryptophan 18931 with a stop codon.
Molecular consequence: nonsense.
Genome position (GRCh38, 1-based): chr2:178,598,918-178,598,920, CAT duplicated on the plus strand (ATG on the coding strand, the reverse complement: TTN is on the minus strand); duplicating any 3 consecutive bases within chr2:178,598,918-178,598,921 gives the same sequence; the c. name uses the placement nearest the transcript's 3' end. VCF-style (leftmost placement, unchanged base first): chr2-178598917-C-CCAT. GRCh37 (hg19) VCF-style: chr2-179463644-C-CCAT.
Other names: c.51867_51869dup, p.Trp17290Ter (NM_001256850.1); c.29595_29597dup, p.Trp9866Ter (NM_003319.4); c.49086_49088dup, p.Trp16363Ter (NM_133378.4); c.29970_29972dup, p.Trp9991Ter (NM_133432.3); c.30171_30173dup, p.Trp10058Ter (NM_133437.4); short protein forms W16363*, W17290*, W10058*, W9866*, W9991*, W18931*.
Identifiers: ClinVar variation 2947869 (VCV002947869.3), dbSNP rs2469868293, ClinGen allele CA2740096082.

ClinVar aggregate classification (germline): Likely pathogenic (1 of 4 stars; one submission).

Conditions:
Dilated cardiomyopathy 1G (CMD1G). Identifiers: Orphanet 154, MedGen C1858763, MONDO:0011400, OMIM 604145.
Autosomal recessive limb-girdle muscular dystrophy type 2J (LGMDR10). Also called: Limb-girdle muscular dystrophy, type 2J; MUSCULAR DYSTROPHY, LIMB-GIRDLE, AUTOSOMAL RECESSIVE 10. Identifiers: Orphanet 140922, MedGen C1837342, MONDO:0012127, OMIM 608807.

Submission:

Labcorp Genetics (formerly Invitae), Labcorp
Classification: Likely pathogenic for Dilated cardiomyopathy 1G; Autosomal recessive limb-girdle muscular dystrophy type 2J. Last evaluated: 2023-09-04. Review status: criteria provided, single submitter. Criteria: Invitae Variant Classification Sherloc (09022015). Collection method: clinical testing. Allele origin: germline.
Comment: In summary, the currently available evidence indicates that the variant is pathogenic, but additional data are needed to prove that conclusively. Therefore, this variant has been classified as Likely Pathogenic. This variant is located in the A band of TTN (PMID: 25589632). Truncating variants in this region are significantly overrepresented in patients affected with dilated cardiomyopathy (PMID: 25589632). Truncating variants in this region have also been reported in individuals affected with autosomal recessive centronuclear myopathy (PMID: 23975875). This variant has not been reported in the literature in individuals affected with TTN-related conditions. This variant is not present in population databases (gnomAD no frequency). This sequence change creates a premature translational stop signal (p.Trp18931*) in the TTN gene. While this is not anticipated to result in nonsense mediated decay, it is expected to create a truncated TTN protein.

Literature cited by the submitters: PubMed 25589632; PubMed 23975875.